The following is an entry in ClinVar:

ClinVar aggregate classification (germline): Uncertain significance. Review status: criteria provided, multiple submitters, no conflicts (2 of 4 stars). 2 submissions from 2 submitters: Uncertain significance (2). Last evaluated 2025-08-24.

Conditions:
Inborn genetic diseases. Identifiers: MedGen C0950123, MeSH D030342.
Autosomal dominant polycystic kidney disease. Identifiers: Orphanet 730, MedGen C0085413, MONDO:0004691.

Submissions (2):

Labcorp Genetics (formerly Invitae), Labcorp
Classification: Uncertain significance for Autosomal dominant polycystic kidney disease. Last evaluated: 2025-08-24. Review status: criteria provided, single submitter. Criteria: Invitae Variant Classification Sherloc (09022015). Collection method: clinical testing. Allele origin: germline.
Comment: This sequence change replaces leucine, which is neutral and non-polar, with valine, which is neutral and non-polar, at codon 224 of the PKD2 protein (p.Leu224Val). This variant is not present in population databases (gnomAD no frequency). This variant has not been reported in the literature in individuals affected with PKD2-related conditions. ClinVar contains an entry for this variant (Variation ID: 3419215). Invitae Evidence Modeling of protein sequence and biophysical properties (such as structural, functional, and spatial information, amino acid conservation, physicochemical variation, residue mobility, and thermodynamic stability) indicates that this missense variant is not expected to disrupt PKD2 protein function with a negative predictive value of 80%. In summary, the available evidence is currently insufficient to determine the role of this variant in disease. Therefore, it has been classified as a Variant of Uncertain Significance.

Ambry Genetics
Classification: Uncertain significance for Inborn genetic diseases. Last evaluated: 2024-08-27. Review status: criteria provided, single submitter. Criteria: Ambry Variant Classification Scheme 2023. Collection method: clinical testing. Allele origin: germline.

NM_000297.4(PKD2):c.670C>G (p.Leu224Val)

Gene: PKD2 (polycystin 2, transient receptor potential cation channel; plus strand). Cytogenetic location: 4q22.1.
Variant type: single nucleotide variant.
Coding change: c.670C>G on transcript NM_000297.4 (MANE Select); coding-DNA position 670, C replaced by G.
Protein change: p.Leu224Val; replaces leucine 224 with valine.
Molecular consequence: missense variant. On other transcripts: non-coding transcript variant (1).
Genome position (GRCh38, 1-based): chr4:88,019,532, C>G. VCF-style: chr4-88019532-C-G. GRCh37 (hg19) VCF-style: chr4-88940684-C-G.
Other names: short protein forms L224V.
Identifiers: ClinVar variation 3419215 (VCV003419215.2).